The following is an entry in ClinVar:

ClinVar aggregate classification (germline): Uncertain significance (1 of 4 stars; one submission).

Conditions:
Landau-Kleffner syndrome (FESD). Also called: EPILEPSY, FOCAL, WITH SPEECH DISORDER AND WITH OR WITHOUT MENTAL RETARDATION; APHASIA, ACQUIRED, WITH EPILEPSY. Identifiers: Orphanet 1945, Orphanet 725, Orphanet 98818, MedGen C0282512, MONDO:0009509, OMIM 245570.

Submission:

Labcorp Genetics (formerly Invitae), Labcorp
Classification: Uncertain significance for Landau-Kleffner syndrome. Last evaluated: 2022-03-21. Review status: criteria provided, single submitter. Criteria: Invitae Variant Classification Sherloc (09022015). Collection method: clinical testing. Allele origin: germline.
Comment: This variant is not present in population databases (gnomAD no frequency). This sequence change replaces arginine, which is basic and polar, with glycine, which is neutral and non-polar, at codon 1022 of the GRIN2A protein (p.Arg1022Gly). This variant has not been reported in the literature in individuals affected with GRIN2A-related conditions. In summary, the available evidence is currently insufficient to determine the role of this variant in disease. Therefore, it has been classified as a Variant of Uncertain Significance. Advanced modeling of protein sequence and biophysical properties (such as structural, functional, and spatial information, amino acid conservation, physicochemical variation, residue mobility, and thermodynamic stability) performed at Invitae indicates that this missense variant is not expected to disrupt GRIN2A protein function.

NM_001134407.3(GRIN2A):c.3064C>G (p.Arg1022Gly)

Gene: GRIN2A (glutamate ionotropic receptor NMDA type subunit 2A; minus strand). Cytogenetic location: 16p13.2.
Variant type: single nucleotide variant.
Coding change: c.3064C>G on transcript NM_001134407.3 (MANE Select); coding-DNA position 3064, C replaced by G.
Protein change: p.Arg1022Gly; replaces arginine 1022 with glycine.
Molecular consequence: missense variant.
Genome position (GRCh38, 1-based): chr16:9,764,480, G>C on the plus strand (C>G on the coding strand, the complement: GRIN2A is on the minus strand). VCF-style: chr16-9764480-G-C. GRCh37 (hg19) VCF-style: chr16-9858337-G-C.
Other names: c.3064C>G, p.Arg1022Gly (NM_000833.5, NM_001134408.2); short protein forms R1022G.
Identifiers: ClinVar variation 2115588 (VCV002115588.4), dbSNP rs560057284, ClinGen allele CA394708744.
Genomic context (GRCh38, chr16:9,764,480, plus strand): 5'-TATTCTCTGCTGTTGCCTCATCCCTCTGGGAGACTGGATTCTGGGATAGTGAATCCTGGC[G>C]TATGGAATCCACGGATTTCTTCCACAGCTGCCGGGGTCTAGAGTTCGCTTTGGATTCTGT-3'
Protein context (NP_001127879.1, residues 1012-1032): QLWKKSVDSI[Arg1022Gly]QDSLSQNPVS